The following is an entry in ClinVar:

ClinVar aggregate classification (germline): Likely benign (1 of 4 stars; one submission).

Submission:

CeGaT Center for Human Genetics Tuebingen
Classification: Likely benign. Last evaluated: 2023-04-01. Review status: criteria provided, single submitter. Criteria: CeGaT Center For Human Genetics Tuebingen Variant Classification Criteria Version 2. Collection method: clinical testing. Allele origin: germline. Affected: yes. Observed: 1 variant allele.
Comment: CDKN1B: PM2:Supporting, BP4, BP7

NM_004064.5(CDKN1B):c.55A>C (p.Arg19=)

Gene: CDKN1B (cyclin dependent kinase inhibitor 1B; plus strand). Cytogenetic location: 12p13.1.
Variant type: single nucleotide variant.
Coding change: c.55A>C on transcript NM_004064.5 (MANE Select); coding-DNA position 55, A replaced by C.
Protein change: p.Arg19=; no amino-acid change (arginine 19 retained).
Molecular consequence: synonymous variant.
Genome position (GRCh38, 1-based): chr12:12,717,894, A>C. VCF-style: chr12-12717894-A-C. GRCh37 (hg19) VCF-style: chr12-12870828-A-C.
Identifiers: ClinVar variation 2642740 (VCV002642740.24), dbSNP rs1555085496, ClinGen allele CA478845359.